The following is an entry in ClinVar:

ClinVar aggregate classification (germline): Pathogenic (1 of 4 stars; one submission).

Conditions:
PHF5A-related disorder.

Submission:

3billion
Classification: Pathogenic for PHF5A-related disorder. Last evaluated: 2026-01-09. Review status: criteria provided, single submitter. Criteria: ACMG Guidelines, 2015. Collection method: clinical testing. Allele origin: germline. Affected: yes.
Comment: The variant is not observed in the gnomAD v4.1.0 dataset. Predicted Consequence/Location: Canonical splice site: predicted to alter splicing and result in a loss or disruption of normal protein function. The predicted truncated protein may be shortened by more than 10%. In silico tools predict the variant to alter splicing and produce an abnormal transcript [SpliceAI: 0.99 (spliceogenicity >=0.2, non-spliceogenicity <0.1)]. The variant has been previously reported as de novo in a similarly affected individual (PMID: 31785789). The variant has been reported to be associated with PHF5A-related disorder (PMID: 31785789). Therefore, this variant is classified as Pathogenic according to the recommendation of ACMG/AMP guideline.

Literature cited by the submitters: PubMed 31785789.

NM_032758.4(PHF5A):c.243+1G>A

Gene: PHF5A (PHD finger protein 5A; minus strand). Cytogenetic location: 22q13.2.
Variant type: single nucleotide variant.
Coding change: c.243+1G>A on transcript NM_032758.4 (MANE Select); the canonical splice donor site of the intron after coding-DNA position 243, G replaced by A.
Molecular consequence: splice donor variant.
Genome position (GRCh38, 1-based): chr22:41,467,447, C>T on the plus strand (G>A on the coding strand, the complement: PHF5A is on the minus strand). VCF-style: chr22-41467447-C-T. GRCh37 (hg19) VCF-style: chr22-41863451-C-T.
Identifiers: ClinVar variation 4856248 (VCV004856248.1).